The following is an entry in ClinVar:

NM_020427.3(SLURP1):c.240_246delinsAG (p.Asp81fs)

Gene: SLURP1 (secreted LY6/PLAUR domain containing 1; minus strand). Cytogenetic location: 8q24.3.
Variant type: Indel.
Coding change: c.240_246delinsAG on transcript NM_020427.3 (MANE Select); coding-DNA positions 240 to 246, CGACCCC replaced by AG.
Protein change: p.Asp81fs; shifts the reading frame from aspartic acid 81.
Molecular consequence: frameshift variant.
Genome position (GRCh38, 1-based): chr8:142,741,209-142,741,215, GGGGTCG replaced by CT on the plus strand (CGACCCC replaced by AG on the coding strand, the reverse complement: SLURP1 is on the minus strand). VCF-style: chr8-142741209-GGGGTCG-CT. GRCh37 (hg19) VCF-style: chr8-143822627-GGGGTCG-CT.
Other names: c.240_246delCGACCCCinsAG (NM_020427.2); c.240_246delinsAG (NM_020427.2); short protein forms D81fs.
Identifiers: ClinVar variation 372509 (VCV000372509.3), dbSNP rs1057517823, ClinGen allele CA16042710.

ClinVar aggregate classification (germline): Likely pathogenic (1 of 4 stars; one submission).

Submission:

GeneDx
Classification: Likely pathogenic. Last evaluated: 2024-01-19. Review status: criteria provided, single submitter. Criteria: GeneDx Variant Classification Process June 2021. Collection method: clinical testing. Allele origin: germline. Affected: yes.
Comment: Frameshift variant in which the last 23 amino acids are replaced with 62 different amino acids; other loss-of-function variants have been reported downstream in HGMD; Not observed at significant frequency in large population cohorts (gnomAD); Has not been previously published as pathogenic or benign to our knowledge; This variant is associated with the following publications: (PMID: 24077912)